The following is an entry in ClinVar:

NM_003900.5(SQSTM1):c.1074G>A (p.Met358Ile)

Gene: SQSTM1 (sequestosome 1; plus strand). Cytogenetic location: 5q35.3.
Variant type: single nucleotide variant.
Coding change: c.1074G>A on transcript NM_003900.5 (MANE Select); coding-DNA position 1074, G replaced by A.
Protein change: p.Met358Ile; replaces methionine 358 with isoleucine.
Molecular consequence: missense variant.
Genome position (GRCh38, 1-based): chr5:179,833,691, G>A. VCF-style: chr5-179833691-G-A. GRCh37 (hg19) VCF-style: chr5-179260691-G-A.
Other names: p.Met358Ile; c.822G>A, p.Met274Ile (NM_001142298.2, NM_001142299.2); short protein forms M358I, M274I.
Identifiers: ClinVar variation 2095052 (VCV002095052.5), dbSNP rs541743205, ClinGen allele CA133109721.

ClinVar aggregate classification (germline): Uncertain significance. Review status: criteria provided, multiple submitters, no conflicts (2 of 4 stars). 2 submissions from 2 submitters: Uncertain significance (2). Last evaluated 2025-08-18.

Conditions:
Paget disease of bone 2, early-onset (PDB2). Also called: Paget disease of bone 2. Identifiers: MedGen C4085251, MONDO:0011183, OMIM 602080.
Frontotemporal dementia and/or amyotrophic lateral sclerosis 1 (FTDALS1). Also called: Frontotemporal dementia with motor neuron disease 1; C9orf72 Frontotemporal Dementia and/or Amyotrophic Lateral Sclerosis. Identifiers: Orphanet 275872, MedGen C5779877, MONDO:0007105, OMIM 105550.

Allele frequency attached by ClinVar (database versions not stated): TOPMed below 0.00001; gnomAD 0.00002.
gnomAD v4.1: 3 of 1,614,160 alleles (0.00019%); highest among the groups gnomAD compares: African/African-American, 0.004%; no homozygotes.

Submissions (2):

Mayo Clinic Laboratories, Mayo Clinic
Classification: Uncertain significance. Last evaluated: 2025-08-18. Review status: criteria provided, single submitter. Criteria: ACMG Guidelines, 2015. Collection method: clinical testing. Allele origin: germline. Observed: 1 variant allele.
Comment: PM2_supporting

Labcorp Genetics (formerly Invitae), Labcorp
Classification: Uncertain significance for Paget disease of bone 2, early-onset; Frontotemporal dementia and/or amyotrophic lateral sclerosis 1. Last evaluated: 2022-08-19. Review status: criteria provided, single submitter. Criteria: Invitae Variant Classification Sherloc (09022015). Collection method: clinical testing. Allele origin: germline.
Comment: This sequence change replaces methionine, which is neutral and non-polar, with isoleucine, which is neutral and non-polar, at codon 358 of the SQSTM1 protein (p.Met358Ile). This variant is not present in population databases (gnomAD no frequency). This variant has not been reported in the literature in individuals affected with SQSTM1-related conditions. Algorithms developed to predict the effect of missense changes on protein structure and function (SIFT, PolyPhen-2, Align-GVGD) all suggest that this variant is likely to be tolerated. In summary, the available evidence is currently insufficient to determine the role of this variant in disease. Therefore, it has been classified as a Variant of Uncertain Significance.